The following is an entry in ClinVar:

ClinVar aggregate classification (germline): Uncertain significance. Review status: criteria provided, multiple submitters, no conflicts (2 of 4 stars). 2 submissions from 2 submitters: Uncertain significance (2). Last evaluated 2025-04-07.

Conditions:
Hereditary cancer-predisposing syndrome. Also called: Hereditary neoplastic syndrome; Neoplastic Syndromes, Hereditary; Tumor predisposition; Hereditary Cancer Syndrome. Identifiers: Orphanet 140162, MedGen C0027672, MeSH D009386, MONDO:0015356.
Familial cancer of breast. Also called: hereditary breast carcinoma; Hereditary breast cancer; BREAST CANCER, FAMILIAL. Identifiers: Orphanet 227535, MedGen C0346153, MONDO:0016419, OMIM 114480. Disease mechanism: loss of function.

Submissions (2):

Ambry Genetics
Classification: Uncertain significance for Hereditary cancer-predisposing syndrome. Last evaluated: 2025-04-07. Review status: criteria provided, single submitter. Criteria: Ambry Variant Classification Scheme 2023. Collection method: clinical testing. Allele origin: germline.
Comment: The p.E547A variant (also known as c.1640A>C), located in coding exon 7 of the BARD1 gene, results from an A to C substitution at nucleotide position 1640. The glutamic acid at codon 547 is replaced by alanine, an amino acid with dissimilar properties. This amino acid position is not well conserved in available vertebrate species. In addition, the in silico prediction for this alteration is inconclusive. Since supporting evidence is limited at this time, the clinical significance of this alteration remains unclear.

Labcorp Genetics (formerly Invitae), Labcorp
Classification: Uncertain significance for Familial cancer of breast. Last evaluated: 2024-04-08. Review status: criteria provided, single submitter. Criteria: Invitae Variant Classification Sherloc (09022015). Collection method: clinical testing. Allele origin: germline.
Comment: This sequence change replaces glutamic acid, which is acidic and polar, with alanine, which is neutral and non-polar, at codon 547 of the BARD1 protein (p.Glu547Ala). This variant is not present in population databases (gnomAD no frequency). This variant has not been reported in the literature in individuals affected with BARD1-related conditions. ClinVar contains an entry for this variant (Variation ID: 565946). An algorithm developed to predict the effect of missense changes on protein structure and function (PolyPhen-2) suggests that this variant is likely to be tolerated. In summary, the available evidence is currently insufficient to determine the role of this variant in disease. Therefore, it has been classified as a Variant of Uncertain Significance.

NM_000465.4(BARD1):c.1640A>C (p.Glu547Ala)

Gene: BARD1 (BRCA1 associated RING domain 1; minus strand). Cytogenetic location: 2q35.
Variant type: single nucleotide variant.
Coding change: c.1640A>C on transcript NM_000465.4 (MANE Select); coding-DNA position 1640, A replaced by C.
Protein change: p.Glu547Ala; replaces glutamic acid 547 with alanine.
Molecular consequence: missense variant. On other transcripts: non-coding transcript variant (3), intron variant (1).
Genome position (GRCh38, 1-based): chr2:214,752,484, T>G on the plus strand (A>C on the coding strand, the complement: BARD1 is on the minus strand). VCF-style: chr2-214752484-T-G. GRCh37 (hg19) VCF-style: chr2-215617208-T-G.
Other names: c.1583A>C, p.Glu528Ala (NM_001282543.2); c.287A>C, p.Glu96Ala (NM_001282545.2); c.230A>C, p.Glu77Ala (NM_001282548.2); c.365-21976A>C (NM_001282549.2); short protein forms E547A, E77A, E96A, E528A.
Identifiers: ClinVar variation 565946 (VCV000565946.15), dbSNP rs1559394731, ClinGen allele CA350454709.
Genomic context (GRCh38, chr2:214,752,484, plus strand): 5'-CCCAAAGCTAAATCCATACTTACTACTGAGCAGTGGCTAGCTGAGGATGATTCATTCTTC[T>G]CTGGTAGCAGCAATAGCGATTTCATACTTTCATCATCTGTATAATCGACAGGCCGCAGAC-3'
Protein context (NP_000456.2, residues 537-557): ESMKSLLLLP[Glu547Ala]KNESSSASHC